The following is an entry in ClinVar:

ClinVar aggregate classification (germline): Likely benign (1 of 4 stars; one submission).

gnomAD v4.1: 27 of 1,612,054 alleles (0.0017%); highest among the groups gnomAD compares: South Asian, 0.0044%; no homozygotes.

Submission:

CeGaT Center for Human Genetics Tuebingen
Classification: Likely benign. Last evaluated: 2022-08-01. Review status: criteria provided, single submitter. Criteria: CeGaT Center For Human Genetics Tuebingen Variant Classification Criteria Version 2. Collection method: clinical testing. Allele origin: germline. Affected: yes. Observed: 1 variant allele.
Comment: IKZF3: BP4, BP7

NM_012481.5(IKZF3):c.72G>A (p.Ala24=)

Gene: IKZF3 (IKAROS family zinc finger 3; minus strand). Cytogenetic location: 17q21.1.
Variant type: single nucleotide variant.
Coding change: c.72G>A on transcript NM_012481.5 (MANE Select); coding-DNA position 72, G replaced by A.
Protein change: p.Ala24=; no amino-acid change (alanine 24 retained).
Molecular consequence: synonymous variant. On other transcripts: 5 prime UTR variant (2), intron variant (2).
Genome position (GRCh38, 1-based): chr17:39,829,478, C>T on the plus strand (G>A on the coding strand, the complement: IKZF3 is on the minus strand). VCF-style: chr17-39829478-C-T. GRCh37 (hg19) VCF-style: chr17-37985731-C-T.
Other names: c.72G>A, p.Ala24= (NM_001257410.2, NM_001257411.2, NM_001257412.2 and 7 more transcripts); c.-796G>A (NM_001284514.2); c.-628G>A (NM_001284515.2); c.61+2620G>A (NM_001257409.2, NM_001257408.2).
Identifiers: ClinVar variation 2647726 (VCV002647726.24), dbSNP rs539420917, ClinGen allele CA8535716.